The following is an entry in ClinVar:

NM_001165963.4(SCN1A):c.3852G>A (p.Trp1284Ter)

Genes: SCN1A (sodium voltage-gated channel alpha subunit 1; minus strand), LOC102724058 (uncharacterized LOC102724058; plus strand). Cytogenetic location: 2q24.3.
Variant type: single nucleotide variant.
Coding change: c.3852G>A on transcript NM_001165963.4 (MANE Select); coding-DNA position 3852, G replaced by A.
Protein change: p.Trp1284Ter; replaces tryptophan 1284 with a stop codon.
Molecular consequence: nonsense. On other transcripts: non-coding transcript variant (1).
Genome position (GRCh38, 1-based): chr2:166,012,136, C>T on the plus strand (G>A on the coding strand, the complement: SCN1A is on the minus strand). VCF-style: chr2-166012136-C-T. GRCh37 (hg19) VCF-style: chr2-166868646-C-T.
Other names: c.3768G>A, p.Trp1256Ter (NM_001165964.3, NM_001353957.2, NM_001353958.2); c.3852G>A, p.Trp1284Ter (NM_001202435.3, NM_001353948.2); c.3819G>A, p.Trp1273Ter (NM_001353949.2, NM_001353950.2, NM_001353951.2 and 2 more transcripts); c.3816G>A, p.Trp1272Ter (NM_001353954.2, NM_001353955.2); c.3765G>A, p.Trp1255Ter (NM_001353960.2); c.1410G>A, p.Trp470Ter (NM_001353961.2); short protein forms W1273*, W1284*, W1255*, W470*, W1272*, W1256*.
Identifiers: ClinVar variation 523783 (VCV000523783.6), dbSNP rs1553531178, ClinGen allele CA349053980.

ClinVar aggregate classification (germline): Pathogenic. Review status: criteria provided, multiple submitters, no conflicts (2 of 4 stars). 2 submissions from 2 submitters: Pathogenic (2). Last evaluated 2025-06-09.

Conditions:
Early-infantile DEE. Also called: Early infantile epileptic encephalopathy; Early infantile epileptic encephalopathy with suppression bursts; Ohtahara syndrome. Identifiers: Orphanet 1934, MedGen C0393706, MONDO:0800491.

Submissions (2):

Labcorp Genetics (formerly Invitae), Labcorp
Classification: Pathogenic for Early-infantile DEE. Last evaluated: 2025-06-09. Review status: criteria provided, single submitter. Criteria: Invitae Variant Classification Sherloc (09022015). Collection method: clinical testing. Allele origin: germline.
Comment: This sequence change creates a premature translational stop signal (p.Trp1284*) in the SCN1A gene. It is expected to result in an absent or disrupted protein product. Loss-of-function variants in SCN1A are known to be pathogenic (PMID: 17347258, 18930999). This variant is not present in population databases (gnomAD no frequency). This premature translational stop signal has been observed in individual(s) with clinical features of developmental and epileptic encephalopathy (PMID: 12566275). ClinVar contains an entry for this variant (Variation ID: 523783). For these reasons, this variant has been classified as Pathogenic.

GeneDx
Classification: Pathogenic. Last evaluated: 2021-11-11. Review status: criteria provided, single submitter. Criteria: GeneDx Variant Classification Process June 2021. Collection method: clinical testing. Allele origin: germline. Affected: yes.
Comment: Nonsense variant predicted to result in protein truncation or nonsense-mediated decay in a gene for which loss-of-function is a known mechanism of disease; Not observed at significant frequency in large population cohorts (Lek et al., 2016); This variant is associated with the following publications: (PMID: 29601086, 15346159, 25525159, 12566275)

Literature cited by the submitters: PubMed 17347258 (cited by Labcorp Genetics (formerly Invitae), Labcorp); PubMed 18930999 (cited by Labcorp Genetics (formerly Invitae), Labcorp); PubMed 12566275 (cited by Labcorp Genetics (formerly Invitae), Labcorp).